The following is an entry in ClinVar:

NM_015072.5(TTLL5):c.1301C>T (p.Ala434Val)

Gene: TTLL5 (tubulin tyrosine ligase like 5; plus strand). Cytogenetic location: 14q24.3.
Variant type: single nucleotide variant.
Coding change: c.1301C>T on transcript NM_015072.5 (MANE Select); coding-DNA position 1301, C replaced by T.
Protein change: p.Ala434Val; replaces alanine 434 with valine.
Molecular consequence: missense variant.
Genome position (GRCh38, 1-based): chr14:75,745,114, C>T. VCF-style: chr14-75745114-C-T. GRCh37 (hg19) VCF-style: chr14-76211457-C-T.
Other names: short protein forms A434V.
Identifiers: ClinVar variation 1023247 (VCV001023247.8), dbSNP rs1889526717, ClinGen allele CA390465256.

ClinVar aggregate classification (germline): Uncertain significance (1 of 4 stars; one submission).

Submission:

Labcorp Genetics (formerly Invitae), Labcorp
Classification: Uncertain significance. Last evaluated: 2022-07-06. Review status: criteria provided, single submitter. Criteria: Invitae Variant Classification Sherloc (09022015). Collection method: clinical testing. Allele origin: germline.
Comment: In summary, the available evidence is currently insufficient to determine the role of this variant in disease. Therefore, it has been classified as a Variant of Uncertain Significance. Algorithms developed to predict the effect of missense changes on protein structure and function (SIFT, PolyPhen-2, Align-GVGD) all suggest that this variant is likely to be tolerated. ClinVar contains an entry for this variant (Variation ID: 1023247). This variant has not been reported in the literature in individuals affected with TTLL5-related conditions. This variant is not present in population databases (gnomAD no frequency). This sequence change replaces alanine, which is neutral and non-polar, with valine, which is neutral and non-polar, at codon 434 of the TTLL5 protein (p.Ala434Val).